The following is an entry in ClinVar:

ClinVar aggregate classification (germline): Uncertain significance. Review status: criteria provided, multiple submitters, no conflicts (2 of 4 stars). 2 submissions from 2 submitters: Uncertain significance (2). Last evaluated 2025-03-28.

Conditions:
Inborn genetic diseases. Identifiers: MedGen C0950123, MeSH D030342.
Retinitis pigmentosa 12 (RP12). Also called: RP WITH OR WITHOUT PRESERVED PARAARTERIOLE RETINAL PIGMENT EPITHELIUM; RETINITIS PIGMENTOSA WITH OR WITHOUT PARAARTERIOLAR PRESERVATION OF RETINAL PIGMENT EPITHELIUM; RP WITH OR WITHOUT PPRPE. Identifiers: Orphanet 791, MedGen C1838647, MONDO:0010818, OMIM 600105.
Leber congenital amaurosis 8 (LCA8). Identifiers: Orphanet 65, MedGen C3151202, MONDO:0013453, OMIM 613835.

gnomAD v4.1: 1 of 1,614,036 alleles (0.000062%); highest among the groups gnomAD compares: Non-Finnish European, 0.000085%; no homozygotes.

Submissions (2):

Ambry Genetics
Classification: Uncertain significance for Inborn genetic diseases. Last evaluated: 2025-03-28. Review status: criteria provided, single submitter. Criteria: Ambry Variant Classification Scheme 2023. Collection method: clinical testing. Allele origin: germline.

Labcorp Genetics (formerly Invitae), Labcorp
Classification: Uncertain significance for Leber congenital amaurosis 8; Retinitis pigmentosa 12. Last evaluated: 2022-07-06. Review status: criteria provided, single submitter. Criteria: Invitae Variant Classification Sherloc (09022015). Collection method: clinical testing. Allele origin: germline.
Comment: This sequence change replaces aspartic acid, which is acidic and polar, with tyrosine, which is neutral and polar, at codon 257 of the CRB1 protein (p.Asp257Tyr). This variant is not present in population databases (gnomAD no frequency). This variant has not been reported in the literature in individuals affected with CRB1-related conditions. ClinVar contains an entry for this variant (Variation ID: 1367918). Advanced modeling of protein sequence and biophysical properties (such as structural, functional, and spatial information, amino acid conservation, physicochemical variation, residue mobility, and thermodynamic stability) performed at Invitae indicates that this missense variant is not expected to disrupt CRB1 protein function. Algorithms developed to predict the effect of sequence changes on RNA splicing suggest that this variant may create or strengthen a splice site. In summary, the available evidence is currently insufficient to determine the role of this variant in disease. Therefore, it has been classified as a Variant of Uncertain Significance.

NM_201253.3(CRB1):c.769G>T (p.Asp257Tyr)

Gene: CRB1 (crumbs cell polarity complex component 1; plus strand). Cytogenetic location: 1q31.3.
Variant type: single nucleotide variant.
Coding change: c.769G>T on transcript NM_201253.3 (MANE Select); coding-DNA position 769, G replaced by T.
Protein change: p.Asp257Tyr; replaces aspartic acid 257 with tyrosine.
Molecular consequence: missense variant. On other transcripts: non-coding transcript variant (2), intron variant (1).
Genome position (GRCh38, 1-based): chr1:197,344,397, G>T. VCF-style: chr1-197344397-G-T. GRCh37 (hg19) VCF-style: chr1-197313527-G-T.
Other names: c.562G>T, p.Asp188Tyr (NM_001257965.2); c.769G>T, p.Asp257Tyr (NM_001257966.2); c.653-12434G>T (NM_001193640.2); c.769G>T (NM_201253.2); short protein forms D257Y, D188Y.
Identifiers: ClinVar variation 1367918 (VCV001367918.4), dbSNP rs2125328452, ClinGen allele CA344083355.